The following is an entry in ClinVar:

NM_198253.3(TERT):c.3333G>A (p.Thr1111=)

Gene: TERT (telomerase reverse transcriptase; minus strand). Cytogenetic location: 5p15.33.
Variant type: single nucleotide variant.
Coding change: c.3333G>A on transcript NM_198253.3 (MANE Select); coding-DNA position 3333, G replaced by A.
Protein change: p.Thr1111=; no amino-acid change (threonine 1111 retained).
Molecular consequence: synonymous variant. On other transcripts: non-coding transcript variant (2).
Genome position (GRCh38, 1-based): chr5:1,253,794, C>T on the plus strand (G>A on the coding strand, the complement: TERT is on the minus strand). VCF-style: chr5-1253794-C-T. GRCh37 (hg19) VCF-style: chr5-1253909-C-T.
Other names: c.3144G>A, p.Thr1048= (NM_001193376.3).
Identifiers: ClinVar variation 242239 (VCV000242239.25), dbSNP rs200102606, ClinGen allele CA3184210.

ClinVar aggregate classification (germline): Conflicting classifications of pathogenicity. Review status: criteria provided, conflicting classifications (1 of 4 stars). 8 submissions from 6 submitters: Uncertain significance (2); Likely benign (6). Last evaluated 2025-12-08.

Conditions:
Idiopathic Pulmonary Fibrosis. Also called: Idiopathic fibrosing alveolitis, chronic form; idiopathic fibrosing alveolitis. Identifiers: Orphanet 2032, MedGen C1800706, MeSH D054990, MONDO:0800504.
Dyskeratosis congenita, autosomal dominant 2. Identifiers: MedGen C3151443, MONDO:0013521, OMIM 613989.
Pulmonary fibrosis and/or bone marrow failure, Telomere-related, 1. Also called: PULMONARY FIBROSIS AND/OR BONE MARROW FAILURE SYNDROME, TELOMERE-RELATED, 1. Identifiers: Orphanet 88, MedGen C3553617, MONDO:0013878, OMIM 614742.
Dyskeratosis congenita. Identifiers: Orphanet 1775, MedGen C0265965, MONDO:0015780.
Aplastic anemia. Identifiers: Orphanet 182040, Orphanet 88, MedGen C0002874, MONDO:0015909, OMIM 609135, HP:0001915.

Allele frequency attached by ClinVar (database versions not stated): ESP Exome Variant Server 0.00008; ExAC 0.00016; gnomAD exomes 0.00021; gnomAD 0.00028 and 0.00030; TOPMed 0.00035.
gnomAD v4.1: 259 of 1,611,760 alleles (0.016%); highest among the groups gnomAD compares: Admixed American, 0.11%; 1 homozygote.

Submissions (8):

Labcorp Genetics (formerly Invitae), Labcorp
Classification: Likely benign for Dyskeratosis congenita, autosomal dominant 2; Idiopathic Pulmonary Fibrosis. Last evaluated: 2025-12-08. Review status: criteria provided, single submitter. Criteria: Invitae Variant Classification Sherloc (09022015). Collection method: clinical testing. Allele origin: germline.

Blueprint Genetics
Classification: Likely benign. Last evaluated: 2023-11-03. Review status: criteria provided, single submitter. Criteria: ACMG Guidelines, 2015. Collection method: clinical testing. Allele origin: germline.

GeneDx
Classification: Likely benign. Last evaluated: 2019-05-23. Review status: criteria provided, single submitter. Criteria: GeneDx Variant Classification Process June 2021. Collection method: clinical testing. Allele origin: germline. Affected: yes.

Illumina Laboratory Services, Illumina
Classification: Uncertain significance for Dyskeratosis congenita, autosomal dominant 2. Last evaluated: 2018-01-13. Review status: criteria provided, single submitter. Criteria: ICSL Variant Classification Criteria 13 December 2019. Collection method: clinical testing. Allele origin: germline.

Illumina Laboratory Services, Illumina
Classification: Uncertain significance for Aplastic anemia. Last evaluated: 2018-01-13. Review status: criteria provided, single submitter. Criteria: ICSL Variant Classification Criteria 13 December 2019. Collection method: clinical testing. Allele origin: germline.

Illumina Laboratory Services, Illumina
Classification: Likely benign for Pulmonary fibrosis and/or bone marrow failure, Telomere-related, 1. Last evaluated: 2018-01-13. Review status: criteria provided, single submitter. Criteria: ICSL Variant Classification Criteria 13 December 2019. Collection method: clinical testing. Allele origin: germline.
Comment: This variant was observed in the ICSL laboratory as part of a predisposition screen in an ostensibly healthy population. It had not been previously curated by ICSL or reported in the Human Gene Mutation Database (HGMD: prior to June 1st, 2018), and was therefore a candidate for classification through an automated scoring system. Utilizing variant allele frequency, disease prevalence and penetrance estimates, and inheritance mode, an automated score was calculated to assess if this variant is too frequent to cause the disease. Based on the score and internal cut-off values, a variant classified as likely benign is not then subjected to further curation. The score for this variant resulted in a classification of likely benign for this disease.

Genetic Services Laboratory, University of Chicago
Classification: Likely benign. Last evaluated: 2016-10-27. Review status: criteria provided, single submitter. Criteria: ACMG Guidelines, 2015. Collection method: clinical testing. Allele origin: germline. Affected: no.

Ambry Genetics
Classification: Likely benign for Dyskeratosis congenita. Last evaluated: 2014-06-16. Review status: criteria provided, single submitter. Criteria: Ambry Variant Classification Scheme 2023. Collection method: clinical testing. Allele origin: germline.